The following is an entry in ClinVar:

ClinVar aggregate classification (germline): Benign (0 of 4 stars; one submission).

Conditions:
TP53BP2-related disorder. Also called: TP53BP2-related condition.

Allele frequency attached by ClinVar (database versions not stated): 1000 Genomes Project 30x 0.03310; 1000 Genomes Project 0.03534; TOPMed 0.05562; gnomAD 0.06082; ESP Exome Variant Server 0.06351; ExAC 0.06637; gnomAD exomes 0.08386.
gnomAD v4.1: 131,289 of 1,613,248 alleles (8.1%); highest among the groups gnomAD compares: Non-Finnish European, 9.2%; 5,962 homozygotes.

Submission:

PreventionGenetics, part of Exact Sciences
Classification: Benign for TP53BP2-related condition. Last evaluated: 2019-10-30. Review status: no assertion criteria provided. Collection method: clinical testing. Allele origin: germline.
Comment: This variant is classified as benign based on ACMG/AMP sequence variant interpretation guidelines (Richards et al. 2015 PMID: 25741868, with internal and published modifications).

NM_001031685.3(TP53BP2):c.685C>A (p.Gln229Lys)

Gene: TP53BP2 (tumor protein p53 binding protein 2; minus strand). Cytogenetic location: 1q41.
Variant type: single nucleotide variant.
Coding change: c.685C>A on transcript NM_001031685.3 (MANE Select); coding-DNA position 685, C replaced by A.
Protein change: p.Gln229Lys; replaces glutamine 229 with lysine.
Molecular consequence: missense variant.
Genome position (GRCh38, 1-based): chr1:223,803,417, G>T on the plus strand (C>A on the coding strand, the complement: TP53BP2 is on the minus strand). VCF-style: chr1-223803417-G-T. GRCh37 (hg19) VCF-style: chr1-223991119-G-T.
Other names: c.298C>A, p.Gln100Lys (NM_005426.3); short protein forms Q100K, Q229K.
Identifiers: ClinVar variation 3057025 (VCV003057025.2), dbSNP rs34683843, ClinGen allele CA1413034.
Genomic context (GRCh38, chr1:223,803,417, plus strand): 5'-CTAGCTGCCTGGTCAGTTCTTCTACTTTTGACACAGCCAGGACGAGCTCCCTCTGTTTTT[G>T]CTGGAACAAATTATTCATCTGTTCAATTTCCTCCACTAGATGAGACAGAGAACAGCAACA-3'
Protein context (NP_001026855.2, residues 219-239): EIEQMNNLFQ[Gln229Lys]KQRELVLAVS